The following is an entry in ClinVar:

ClinVar aggregate classification (germline): Likely benign. Review status: criteria provided, multiple submitters, no conflicts (2 of 4 stars). 3 submissions from 3 submitters: Likely benign (3). Last evaluated 2026-07-01.

Conditions:
Cardiovascular phenotype. Identifiers: MedGen CN230736.

Allele frequency attached by ClinVar (database versions not stated): ExAC 0.00001; gnomAD 0.00002; TOPMed 0.00003; gnomAD exomes 0.00005; ESP Exome Variant Server 0.00008.
gnomAD v4.1: 81 of 1,613,844 alleles (0.005%); highest among the groups gnomAD compares: Non-Finnish European, 0.0067%; no homozygotes.

Submissions (3):

CeGaT Center for Human Genetics Tuebingen
Classification: Likely benign. Last evaluated: 2026-07-01. Review status: criteria provided, single submitter. Criteria: CeGaT Center For Human Genetics Tuebingen Variant Classification Criteria Version 2. Collection method: clinical testing. Allele origin: germline. Affected: yes. Observed: 1 variant allele.
Comment: PPP1CB: BP4, BP7

Labcorp Genetics (formerly Invitae), Labcorp
Classification: Likely benign. Last evaluated: 2025-08-06. Review status: criteria provided, single submitter. Criteria: Invitae Variant Classification Sherloc (09022015). Collection method: clinical testing. Allele origin: germline.

Ambry Genetics
Classification: Likely benign for Cardiovascular phenotype. Last evaluated: 2024-02-01. Review status: criteria provided, single submitter. Criteria: Ambry Variant Classification Scheme 2023. Collection method: clinical testing. Allele origin: germline.

NM_002709.3(PPP1CB):c.636G>A (p.Val212=)

Gene: PPP1CB (protein phosphatase 1 catalytic subunit beta; plus strand). Cytogenetic location: 2p23.2.
Variant type: single nucleotide variant.
Coding change: c.636G>A on transcript NM_002709.3 (MANE Select); coding-DNA position 636, G replaced by A.
Protein change: p.Val212=; no amino-acid change (valine 212 retained).
Molecular consequence: synonymous variant.
Genome position (GRCh38, 1-based): chr2:28,788,701, G>A. VCF-style: chr2-28788701-G-A. GRCh37 (hg19) VCF-style: chr2-29011567-G-A.
Other names: c.636G>A (NM_206876.1); c.636G>A, p.Val212= (NM_206876.2).
Identifiers: ClinVar variation 1897386 (VCV001897386.7), dbSNP rs148033052, ClinGen allele CA1589288.